The following is an entry in ClinVar:

NM_000051.4(ATM):c.5319G>C (p.Lys1773Asn)

Gene: ATM (ATM serine/threonine kinase; plus strand). Cytogenetic location: 11q22.3.
Variant type: single nucleotide variant.
Coding change: c.5319G>C on transcript NM_000051.4 (MANE Select); coding-DNA position 5319, G replaced by C.
Protein change: p.Lys1773Asn; replaces lysine 1773 with asparagine.
Molecular consequence: missense variant.
Genome position (GRCh38, 1-based): chr11:108,301,789, G>C. VCF-style: chr11-108301789-G-C. GRCh37 (hg19) VCF-style: chr11-108172516-G-C.
Other names: c.5319G>C, p.Lys1773Asn (NM_001351834.2); short protein forms K1773N.
Identifiers: ClinVar variation 1308902 (VCV001308902.9), dbSNP rs2083446824, ClinGen allele CA382542835.

ClinVar aggregate classification (germline): Uncertain significance. Review status: criteria provided, multiple submitters, no conflicts (2 of 4 stars). 2 submissions from 2 submitters: Uncertain significance (2). Last evaluated 2022-10-17.

Conditions:
Ataxia-telangiectasia syndrome (AT). Also called: Ataxia telangiectasia (A-T); LOUIS-BAR SYNDROME; AT, COMPLEMENTATION GROUP C; ATAXIA-TELANGIECTASIA, COMPLEMENTATION GROUP A; ATAXIA-TELANGIECTASIA, FRESNO VARIANT; Ataxia-telangiectasia. Identifiers: Orphanet 100, MedGen C0004135, MONDO:0008840, OMIM 208900.

Submissions (2):

Labcorp Genetics (formerly Invitae), Labcorp
Classification: Uncertain significance for Ataxia-telangiectasia syndrome. Last evaluated: 2022-10-17. Review status: criteria provided, single submitter. Criteria: Invitae Variant Classification Sherloc (09022015). Collection method: clinical testing. Allele origin: germline.
Comment: ClinVar contains an entry for this variant (Variation ID: 1308902). This variant has not been reported in the literature in individuals affected with ATM-related conditions. This variant is not present in population databases (gnomAD no frequency). This sequence change replaces lysine, which is basic and polar, with asparagine, which is neutral and polar, at codon 1773 of the ATM protein (p.Lys1773Asn). This variant also falls at the last nucleotide of exon 35, which is part of the consensus splice site for this exon. Algorithms developed to predict the effect of missense changes on protein structure and function are either unavailable or do not agree on the potential impact of this missense change (SIFT: "Deleterious"; PolyPhen-2: "Benign"; Align-GVGD: "Class C35"). In summary, the available evidence is currently insufficient to determine the role of this variant in disease. Therefore, it has been classified as a Variant of Uncertain Significance. Variants that disrupt the consensus splice site are a relatively common cause of aberrant splicing (PMID: 17576681, 9536098). Algorithms developed to predict the effect of sequence changes on RNA splicing suggest that this variant may disrupt the consensus splice site.

GeneDx
Classification: Uncertain significance. Last evaluated: 2019-09-26. Review status: criteria provided, single submitter. Criteria: GeneDx Variant Classification Process June 2021. Collection method: clinical testing. Allele origin: germline. Affected: yes.
Comment: Not observed in large population cohorts (Lek 2016); In silico analysis, which includes protein predictors and evolutionary conservation, supports that this variant does not alter protein structure/function; Has not been previously published as pathogenic or benign to our knowledge

Literature cited by the submitters: PubMed 17576681 (cited by Labcorp Genetics (formerly Invitae), Labcorp); PubMed 9536098 (cited by Labcorp Genetics (formerly Invitae), Labcorp).